The following is an entry in ClinVar:

NM_001031689.3(PLAA):c.1122del (p.Arg373_Trp374insTer)

Gene: PLAA (phospholipase A2 activating protein; minus strand). Cytogenetic location: 9p21.2.
Variant type: Deletion.
Coding change: c.1122del on transcript NM_001031689.3 (MANE Select); coding-DNA position 1122, one base deleted (G; older notation c.1122delG).
Protein change: p.Arg373_Trp374insTer.
Molecular consequence: nonsense.
Genome position (GRCh38, 1-based): chr9:26,920,302, C deleted on the plus strand (G on the coding strand, the reverse complement: PLAA is on the minus strand); the first of 2 consecutive C bases (chr9:26,920,302-26,920,303); deleting either gives the same sequence. VCF-style (leftmost placement, unchanged base first): chr9-26920301-TC-T. GRCh37 (hg19) VCF-style: chr9-26920299-TC-T.
Other names: c.1122del, p.Arg373_Trp374insTer (NM_001321546.2).
Identifiers: ClinVar variation 2120649 (VCV002120649.2), dbSNP rs2489191103, ClinGen allele CA2580080302.

ClinVar aggregate classification (germline): Uncertain significance (1 of 4 stars; one submission).

Submission:

Labcorp Genetics (formerly Invitae), Labcorp
Classification: Uncertain significance. Last evaluated: 2022-04-30. Review status: criteria provided, single submitter. Criteria: Invitae Variant Classification Sherloc (09022015). Collection method: clinical testing. Allele origin: germline.
Comment: This sequence change creates a premature translational stop signal (p.Trp374*) in the PLAA gene. It is expected to result in an absent or disrupted protein product. However, the current clinical and genetic evidence is not sufficient to establish whether loss-of-function variants in PLAA cause disease. This variant is not present in population databases (gnomAD no frequency). This variant has not been reported in the literature in individuals affected with PLAA-related conditions. Algorithms developed to predict the effect of sequence changes on RNA splicing suggest that this variant may disrupt the consensus splice site. In summary, the available evidence is currently insufficient to determine the role of this variant in disease. Therefore, it has been classified as a Variant of Uncertain Significance.